The following is an entry in ClinVar:

ClinVar aggregate classification (germline): Uncertain significance. Review status: criteria provided, multiple submitters, no conflicts (2 of 4 stars). 2 submissions from 2 submitters: Uncertain significance (2). Last evaluated 2022-11-23.

Allele frequency attached by ClinVar (database versions not stated): gnomAD exomes 0.00001; TOPMed 0.00001; ExAC 0.00002; gnomAD 0.00002.
gnomAD v4.1: 17 of 1,614,048 alleles (0.0011%); highest among the groups gnomAD compares: Middle Eastern, 0.066%; no homozygotes.

Submissions (2):

Revvity Omics, Revvity
Classification: Uncertain significance. Last evaluated: 2022-11-23. Review status: criteria provided, single submitter. Criteria: ACMG Guidelines, 2015. Collection method: clinical testing. Allele origin: germline.

GeneDx
Classification: Uncertain significance. Last evaluated: 2022-11-04. Review status: criteria provided, single submitter. Criteria: GeneDx Variant Classification Process June 2021. Collection method: clinical testing. Allele origin: germline. Affected: yes.
Comment: In silico analysis supports that this missense variant has a deleterious effect on protein structure/function; Has not been previously published as pathogenic or benign to our knowledge

NM_007118.4(TRIO):c.8011T>C (p.Ser2671Pro)

Gene: TRIO (trio Rho guanine nucleotide exchange factor; plus strand). Cytogenetic location: 5p15.2.
Variant type: single nucleotide variant.
Coding change: c.8011T>C on transcript NM_007118.4 (MANE Select); coding-DNA position 8011, T replaced by C.
Protein change: p.Ser2671Pro; replaces serine 2671 with proline.
Molecular consequence: missense variant. On other transcripts: non-coding transcript variant (1).
Genome position (GRCh38, 1-based): chr5:14,497,009, T>C. VCF-style: chr5-14497009-T-C. GRCh37 (hg19) VCF-style: chr5-14497118-T-C.
Other names: c.8011T>C (NM_007118.2); short protein forms S2671P.
Identifiers: ClinVar variation 2437286 (VCV002437286.4), dbSNP rs760800617, ClinGen allele CA3207683.